The following is an entry in ClinVar:

ClinVar aggregate classification (germline): Uncertain significance (1 of 4 stars; one submission).

Allele frequency attached by ClinVar (database versions not stated): TOPMed 0.00001; 1000 Genomes Project 30x 0.00021; 1000 Genomes Project 0.00026.
gnomAD v4.1: 1 of 1,207,116 alleles (0.000083%); highest among the groups gnomAD compares: African/African-American, 0.0017%; no homozygotes.

Submission:

Labcorp Genetics (formerly Invitae), Labcorp
Classification: Uncertain significance. Last evaluated: 2022-03-09. Review status: criteria provided, single submitter. Criteria: Invitae Variant Classification Sherloc (09022015). Collection method: clinical testing. Allele origin: germline.
Comment: This sequence change replaces proline, which is neutral and non-polar, with glutamine, which is neutral and polar, at codon 674 of the PHEX protein (p.Pro674Gln). This variant is present in population databases (rs199517401, gnomAD 0.008%). This variant has not been reported in the literature in individuals affected with PHEX-related conditions. Advanced modeling of protein sequence and biophysical properties (such as structural, functional, and spatial information, amino acid conservation, physicochemical variation, residue mobility, and thermodynamic stability) performed at Invitae indicates that this missense variant is expected to disrupt PHEX protein function. In summary, the available evidence is currently insufficient to determine the role of this variant in disease. Therefore, it has been classified as a Variant of Uncertain Significance.

NM_000444.6(PHEX):c.2021C>A (p.Pro674Gln)

Genes: PHEX (phosphate regulating endopeptidase X-linked; plus strand), PTCHD1-AS (PTCHD1 and PHEX antisense RNA; minus strand). Cytogenetic location: Xp22.11.
Variant type: single nucleotide variant.
Coding change: c.2021C>A on transcript NM_000444.6 (MANE Select); coding-DNA position 2021, C replaced by A.
Protein change: p.Pro674Gln; replaces proline 674 with glutamine.
Molecular consequence: missense variant. On other transcripts: non-coding transcript variant (1).
Genome position (GRCh38, 1-based): chrX:22,227,562, C>A. VCF-style: chrX-22227562-C-A. GRCh37 (hg19) VCF-style: chrX-22245679-C-A.
Other names: c.2021C>A, p.Pro674Gln (NM_001282754.2); short protein forms P674Q.
Identifiers: ClinVar variation 1930125 (VCV001930125.5), dbSNP rs199517401, ClinGen allele CA10368419.